The following is an entry in ClinVar:

ClinVar aggregate classification (germline): Likely pathogenic (1 of 4 stars; one submission).

Conditions:
Primary familial dilated cardiomyopathy (FDC). Also called: Familial dilated cardiomyopathy; Hypokinetic dilated cardiomyopathy, familial. Identifiers: Orphanet 217607, MedGen C0340427, MONDO:0016333.

Submission:

Women's Health and Genetics/Laboratory Corporation of America, LabCorp
Classification: Likely pathogenic for Primary familial dilated cardiomyopathy. Last evaluated: 2023-02-15. Review status: criteria provided, single submitter. Criteria: LabCorp Variant Classification Summary - May 2015. Collection method: clinical testing. Allele origin: germline.
Comment: Variant summary: TTN c.75635_75638delAAGA (p.Lys25212ThrfsX3) results in a premature termination codon, predicted to cause a truncation of the encoded protein or absence of the protein due to nonsense mediated decay, which are commonly known mechanisms for disease. Truncations downstream of this position have been classified as pathogenic by our laboratory. The variant was absent in 247394 control chromosomes. c.75635_75638delAAGA has been reported in the literature in at least one individual affected with Dilated Cardiomyopathy (Nguyen_2017). These data do not allow any conclusion about variant significance. To our knowledge, no experimental evidence demonstrating an impact on protein function has been reported. No submitters have provided clinical-significance assessments for this variant to ClinVar after 2014. Based on the evidence outlined above, the variant was classified as likely pathogenic.

Literature cited by the submitters: PubMed 28436997.

NM_001267550.2(TTN):c.83339_83342del (p.Lys27780fs)

Genes: TTN (titin; minus strand), TTN-AS1 (TTN antisense RNA 1; plus strand). Cytogenetic location: 2q31.2.
Variant type: Microsatellite.
Coding change: c.83339_83342del on transcript NM_001267550.2 (MANE Select); coding-DNA positions 83339 to 83342, 4 bases deleted (AAGA; older notation c.83339_83342delAAGA).
Protein change: p.Lys27780fs; shifts the reading frame from lysine 27780.
Molecular consequence: frameshift variant.
Genome position (GRCh38, 1-based): chr2:178,562,790-178,562,793, TCTT deleted on the plus strand (AAGA on the coding strand, the reverse complement: TTN is on the minus strand); deleting any 4 consecutive bases within chr2:178,562,790-178,562,797 gives the same sequence; the c. name uses the placement nearest the transcript's 3' end. VCF-style (leftmost placement, unchanged base first): chr2-178562789-GTCTT-G. GRCh37 (hg19) VCF-style: chr2-179427516-GTCTT-G.
Other names: c.78416_78419del, p.Lys26139fs (NM_001256850.1); c.56144_56147del, p.Lys18715fs (NM_003319.4); c.75635_75638del, p.Lys25212fs (NM_133378.4); c.56519_56522del, p.Lys18840fs (NM_133432.3); c.56720_56723del, p.Lys18907fs (NM_133437.4); c.75635_75638delAAGA (NM_133378.4); short protein forms K18715fs, K18840fs, K18907fs, K25212fs, K26139fs, K27780fs.
Identifiers: ClinVar variation 2445865 (VCV002445865.1), dbSNP rs2468135466, ClinGen allele CA2580614432.
Genomic context (GRCh38, chr2:178,562,789, plus strand): 5'-GTAGTTTGTAATCTTAGCTCCACCATCAATAAGTGGTGGTTCCCAGGACAACGTCACTGA[GTCTT>G]TCTTCACTTCTCTTATGGTCAAATTCACAGGGGCACTTGGTGAGTCAAGAACTCTGACGT-3'